The following is an entry in ClinVar:

NM_144997.7(FLCN):c.1656C>A (p.Phe552Leu)

Gene: FLCN (folliculin; minus strand). Cytogenetic location: 17p11.2.
Variant type: single nucleotide variant.
Coding change: c.1656C>A on transcript NM_144997.7 (MANE Select); coding-DNA position 1656, C replaced by A.
Protein change: p.Phe552Leu; replaces phenylalanine 552 with leucine.
Molecular consequence: missense variant.
Genome position (GRCh38, 1-based): chr17:17,213,739, G>T on the plus strand (C>A on the coding strand, the complement: FLCN is on the minus strand). VCF-style: chr17-17213739-G-T. GRCh37 (hg19) VCF-style: chr17-17117053-G-T.
Other names: c.1710C>A, p.Phe570Leu (NM_001353229.2); c.1656C>A, p.Phe552Leu (NM_001353230.2, NM_001353231.2); short protein forms F552L, F570L.
Identifiers: ClinVar variation 2830381 (VCV002830381.4), dbSNP rs2144808664, ClinGen allele CA398529923.

ClinVar aggregate classification (germline): Uncertain significance. Review status: criteria provided, multiple submitters, no conflicts (2 of 4 stars). 2 submissions from 2 submitters: Uncertain significance (2). Last evaluated 2025-06-23.

Conditions:
Birt-Hogg-Dube syndrome. Also called: Birt Hogg Dubé syndrome. Identifiers: Orphanet 122, MedGen C0346010, MONDO:0800444.
Hereditary cancer-predisposing syndrome. Also called: Neoplastic Syndromes, Hereditary; Tumor predisposition; Hereditary Cancer Syndrome; Hereditary neoplastic syndrome. Identifiers: Orphanet 140162, MedGen C0027672, MeSH D009386, MONDO:0015356.

Submissions (2):

Ambry Genetics
Classification: Uncertain significance for Hereditary cancer-predisposing syndrome. Last evaluated: 2025-06-23. Review status: criteria provided, single submitter. Criteria: Ambry Variant Classification Scheme 2023. Collection method: clinical testing. Allele origin: germline.
Comment: The p.F552L variant (also known as c.1656C>A), located in coding exon 11 of the FLCN gene, results from a C to A substitution at nucleotide position 1656. The phenylalanine at codon 552 is replaced by leucine, an amino acid with highly similar properties. This amino acid position is conserved. In addition, this alteration is predicted to be deleterious by in silico analysis. Based on the available evidence, the clinical significance of this variant remains unclear.

Labcorp Genetics (formerly Invitae), Labcorp
Classification: Uncertain significance for Birt-Hogg-Dube syndrome. Last evaluated: 2023-01-20. Review status: criteria provided, single submitter. Criteria: Invitae Variant Classification Sherloc (09022015). Collection method: clinical testing. Allele origin: germline.
Comment: This sequence change replaces phenylalanine, which is neutral and non-polar, with leucine, which is neutral and non-polar, at codon 552 of the FLCN protein (p.Phe552Leu). In summary, the available evidence is currently insufficient to determine the role of this variant in disease. Therefore, it has been classified as a Variant of Uncertain Significance. Advanced modeling of protein sequence and biophysical properties (such as structural, functional, and spatial information, amino acid conservation, physicochemical variation, residue mobility, and thermodynamic stability) performed at Invitae indicates that this missense variant is expected to disrupt FLCN protein function. This variant has not been reported in the literature in individuals affected with FLCN-related conditions. This variant is not present in population databases (gnomAD no frequency).